The following is an entry in ClinVar:

NM_014714.4(IFT140):c.3331C>T (p.Gln1111Ter)

Gene: IFT140 (intraflagellar transport 140; minus strand). Cytogenetic location: 16p13.3.
Variant type: single nucleotide variant.
Coding change: c.3331C>T on transcript NM_014714.4 (MANE Select); coding-DNA position 3331, C replaced by T.
Protein change: p.Gln1111Ter; replaces glutamine 1111 with a stop codon.
Molecular consequence: nonsense.
Genome position (GRCh38, 1-based): chr16:1,523,640, G>A on the plus strand (C>T on the coding strand, the complement: IFT140 is on the minus strand). VCF-style: chr16-1523640-G-A. GRCh37 (hg19) VCF-style: chr16-1573641-G-A.
Other names: short protein forms Q1111*.
Identifiers: ClinVar variation 3603726 (VCV003603726.3).
Genomic context (GRCh38, chr16:1,523,640, plus strand): 5'-CGGAGCAGCGGGCCAGGAGCGCAGGGTCTGACGTCTCATCCAGGTCCTCTGCTATGAGCT[G>A]TAGGGCCACAAACTGCTGGGTGGCAAAGGCCAGCTCCAGGGCCTTGGAGAAGTGGCCAGC-3'

ClinVar aggregate classification (germline): Pathogenic/Likely pathogenic. Review status: criteria provided, multiple submitters, no conflicts (2 of 4 stars). 2 submissions from 2 submitters: Pathogenic (1); Likely pathogenic (1). Last evaluated 2025-04-16.

Conditions:
IFT140-related disorders.
Saldino-Mainzer syndrome (SRTD9). Also called: SHORT-RIB THORACIC DYSPLASIA 9 WITHOUT POLYDACTYLY; CONORENAL SYNDROME; short-rib thoracic dysplasia 9 with or without polydactyly; Renal dysplasia, retinal pigmentary dystrophy, cerebellar ataxia and skeletal dysplasia. Identifiers: Orphanet 140969, MedGen C1849437, MONDO:0009964, OMIM 266920.

gnomAD v4.1: 6 of 1,613,960 alleles (0.00037%); no homozygotes.

Submissions (2):

Labcorp Genetics (formerly Invitae), Labcorp
Classification: Pathogenic for Saldino-Mainzer syndrome. Last evaluated: 2025-04-16. Review status: criteria provided, single submitter. Criteria: Invitae Variant Classification Sherloc (09022015). Collection method: clinical testing. Allele origin: germline.
Comment: This sequence change creates a premature translational stop signal (p.Gln1111*) in the IFT140 gene. It is expected to result in an absent or disrupted protein product. Loss-of-function variants in IFT140 are known to be pathogenic (PMID: 22503633, 23418020, 24009529, 26216056). This variant is present in population databases (no rsID available, gnomAD 0.03%). This variant has not been reported in the literature in individuals affected with IFT140-related conditions. ClinVar contains an entry for this variant (Variation ID: 3603726). For these reasons, this variant has been classified as Pathogenic.

Blueprint Genetics
Classification: Likely pathogenic for IFT140-related disorders. Last evaluated: 2023-08-17. Review status: criteria provided, single submitter. Criteria: ACMG Guidelines, 2015. Collection method: clinical testing. Allele origin: germline. Affected: yes. Observed: 1 variant allele.

Literature cited by the submitters: PubMed 22503633 (cited by Labcorp Genetics (formerly Invitae), Labcorp); PubMed 23418020 (cited by Labcorp Genetics (formerly Invitae), Labcorp); PubMed 24009529 (cited by Labcorp Genetics (formerly Invitae), Labcorp); PubMed 26216056 (cited by Labcorp Genetics (formerly Invitae), Labcorp).